The following is an entry in ClinVar:

ClinVar aggregate classification (germline): Likely pathogenic (1 of 4 stars; one submission).

Conditions:
Athabaskan severe combined immunodeficiency (SCIDA). Also called: Severe combined immunodeficiency, athabascan-type. Identifiers: MedGen C1865370.

Submission:

Natera, Inc.
Classification: Likely pathogenic for Athabascan severe combined immunodeficiency. Last evaluated: 2025-07-23. Review status: criteria provided, single submitter. Criteria: Natera Variant Classification Schema (03/2026). Collection method: clinical testing. Allele origin: germline.
Comment: The c.972+1G>A variant in DCLRE1C is a canonical splice donor site variant predicted to affect pre-mRNA splicing, which may result in an abnormal transcript and altered protein product. This variant is expected to result in nonsense mediated decay, truncation, or a dysfunctional protein product. This variant is rare in the general population with a frequency below the threshold expected for the associated phenotype(s). Given the available evidence, this variant is classified as Likely Pathogenic.

NM_001033855.3(DCLRE1C):c.972+1G>A

Gene: DCLRE1C (DNA cross-link repair 1C; minus strand). Cytogenetic location: 10p13.
Variant type: single nucleotide variant.
Coding change: c.972+1G>A on transcript NM_001033855.3 (MANE Select); the canonical splice donor site of the intron after coding-DNA position 972, G replaced by A.
Molecular consequence: splice donor variant.
Genome position (GRCh38, 1-based): chr10:14,926,842, C>T on the plus strand (G>A on the coding strand, the complement: DCLRE1C is on the minus strand). VCF-style: chr10-14926842-C-T. GRCh37 (hg19) VCF-style: chr10-14968841-C-T.
Other names: c.627+1G>A (NM_001350966.2, NM_001289078.2, NM_001289076.2 and 1 more transcripts); c.972+1G>A (NM_001350965.2); c.612+1G>A (NM_001350967.2, NM_001289077.2, NM_001289079.2 and 2 more transcripts).
Identifiers: ClinVar variation 4814559 (VCV004814559.1).